The following is an entry in ClinVar:

ClinVar aggregate classification (germline): Uncertain significance. Review status: criteria provided, multiple submitters, no conflicts (2 of 4 stars). 8 submissions from 8 submitters: Uncertain significance (7). 1 of the submissions does not count toward it. Last evaluated 2024-02-26.

Conditions:
Congenital multicore myopathy with external ophthalmoplegia (CMYO1B). Also called: MULTICORE MYOPATHY; Congenital myopathy 1B, autosomal recessive; Minicore myopathy; MULTIMINICORE DISEASE WITH EXTERNAL OPHTHALMOPLEGIA; Minicore myopathy with external ophthalmoplegia. Identifiers: Orphanet 598, Orphanet 98905, MedGen C1850674, MONDO:0009712, OMIM 255320, HP:0003789.
Central core myopathy (CMYO1A). Also called: Central core disease; Myopathy, central fibrillar; CONGENITAL MYOPATHY 1A, AUTOSOMAL DOMINANT, WITH SUSCEPTIBILITY TO MALIGNANT HYPERTHERMIA. Identifiers: Orphanet 597, MedGen C5830701, MONDO:0007294, OMIM 117000.
Malignant hyperthermia, susceptibility to, 1 (MHS1). Also called: Malignant hyperthermia suceptibility 1; RYR1-Related Malignant Hyperthermia Susceptibility; Anesthesia related hyperthermia; Malignant hyperpyrexia; Fulminating hyperpyrexia; Pharmacogenic myopathy. Identifiers: Orphanet 423, MedGen C2930980, MONDO:0007783, OMIM 145600.
King Denborough syndrome (KDS). Identifiers: MedGen C1840365, MONDO:0020485, OMIM 619542.
Congenital myopathy with fiber type disproportion. Also called: Congenital fiber-type disproportion; Congenital fiber-type disproportion myopathy. Identifiers: MONDO:0009711, Orphanet 2020, MedGen C0546264. Inheritance: all.
RYR1-related disorder. Also called: RYR1-related disorders; RYR1-related condition. Identifiers: MedGen CN239331.

Allele frequency attached by ClinVar (database versions not stated): gnomAD exomes 0.00005 and 0.00006; TOPMed 0.00005; ExAC 0.00006; gnomAD 0.00007.
gnomAD v4.1: 103 of 1,613,928 alleles (0.0064%); highest among the groups gnomAD compares: Non-Finnish European, 0.0051%; no homozygotes.

Submissions (8):

GeneDx
Classification: Uncertain significance. Last evaluated: 2024-02-26. Review status: criteria provided, single submitter. Criteria: GeneDx Variant Classification Process June 2021. Collection method: clinical testing. Allele origin: germline. Affected: yes.
Comment: In silico analysis supports that this missense variant has a deleterious effect on protein structure/function; Has not been previously published as pathogenic or benign to our knowledge

Color Diagnostics, LLC DBA Color Health
Classification: Uncertain significance for Malignant hyperthermia, susceptibility to, 1. Last evaluated: 2024-02-03. Review status: criteria provided, single submitter. Criteria: ACMG Guidelines, 2015. Collection method: clinical testing. Allele origin: germline.
Comment: This missense variant replaces proline with leucine at codon 3267 of the RYR1 protein. Computational prediction is inconclusive regarding the impact of this variant on protein structure and function. To our knowledge, functional studies have not been reported for this variant. This variant has not been reported in individuals affected with RYR1-related disorders in the literature. This variant has been identified in 14/281804 chromosomes in the general population by the Genome Aggregation Database (gnomAD). The available evidence is insufficient to determine the role of this variant in disease conclusively. Therefore, this variant is classified as a Variant of Uncertain Significance.

All of Us Research Program, National Institutes of Health
Classification: Uncertain significance for Malignant hyperthermia, susceptibility to, 1. Last evaluated: 2023-12-01. Review status: criteria provided, single submitter. Criteria: ACMG Guidelines, 2015. Collection method: clinical testing. Allele origin: germline. Inheritance: Autosomal dominant inheritance. Observed: 13 variant alleles, 13 heterozygotes.
Comment: This missense variant replaces proline with leucine at codon 3267 of the RYR1 protein. Computational prediction is inconclusive regarding the impact of this variant on protein structure and function (internally defined REVEL score threshold 0.5 < inconclusive < 0.7, PMID: 27666373). To our knowledge, functional studies have not been reported for this variant. This variant has not been reported in individuals affected with RYR1-related disorders in the literature. This variant has been identified in 14/281804 chromosomes in the general population by the Genome Aggregation Database (gnomAD). The available evidence is insufficient to determine the role of this variant in disease conclusively. Therefore, this variant is classified as a Variant of Uncertain Significance.

This study involves interpretation of variants in research participants for the purpose of population health screening. Participant phenotype was not available at the time of variant classification. Additional details can be found in publication PMID: 35346344, PMCID: PMC8962531

Labcorp Genetics (formerly Invitae), Labcorp
Classification: Uncertain significance for RYR1-related disorder. Last evaluated: 2021-08-30. Review status: criteria provided, single submitter. Criteria: Invitae Variant Classification Sherloc (09022015). Collection method: clinical testing. Allele origin: germline.
Comment: This sequence change replaces proline with leucine at codon 3267 of the RYR1 protein (p.Pro3267Leu). The proline residue is highly conserved and there is a moderate physicochemical difference between proline and leucine. This variant is present in population databases (rs200375946, ExAC 0.01%). This variant has not been reported in the literature in individuals affected with RYR1-related conditions. ClinVar contains an entry for this variant (Variation ID: 224395). Algorithms developed to predict the effect of missense changes on protein structure and function are either unavailable or do not agree on the potential impact of this missense change (SIFT: "Deleterious"; PolyPhen-2: "Benign"; Align-GVGD: "Class C0"). In summary, the available evidence is currently insufficient to determine the role of this variant in disease. Therefore, it has been classified as a Variant of Uncertain Significance.

Fulgent Genetics
Classification: Uncertain significance for Central core myopathy; Malignant hyperthermia, susceptibility to, 1; Congenital myopathy 4A, autosomal dominant; Congenital multicore myopathy with external ophthalmoplegia; King Denborough syndrome. Last evaluated: 2021-07-23. Review status: criteria provided, single submitter. Criteria: ACMG Guidelines, 2015. Collection method: clinical testing. Allele origin: unknown.

Revvity Omics, Revvity
Classification: Uncertain significance. Last evaluated: 2020-10-06. Review status: criteria provided, single submitter. Criteria: ACMG Guidelines, 2015. Collection method: clinical testing. Allele origin: germline.

Biesecker Lab/Clinical Genomics Section, National Institutes of Health
Classification: Uncertain significance for Malignant hyperthermia, susceptibility to, 1. Last evaluated: 2013-07-01. Review status: criteria provided, single submitter. Criteria: Gonsalves et al. 2013. Collection method: research. Allele origin: unknown. Observed: 3 variant alleles. Study: ClinSeq.
Comment: The study set was not selected for affection status in relation to any myopathy. Pathogenicity categories were based on literature curation. See Pubmed ID: 24195946 for details.

PreventionGenetics, part of Exact Sciences
Classification: Uncertain significance for RYR1-related condition. Last evaluated: 2024-03-19. Review status: no assertion criteria provided. Collection method: clinical testing. Allele origin: germline. Not counted in ClinVar's aggregate classification.
Comment: The RYR1 c.9800C>T variant is predicted to result in the amino acid substitution p.Pro3267Leu. To our knowledge, this variant has not been reported in the literature. This variant is reported in 0.087% of alleles in individuals of Ashkenazi Jewish descent in gnomAD. At this time, the clinical significance of this variant is uncertain due to the absence of conclusive functional and genetic evidence.

NM_000540.3(RYR1):c.9800C>T (p.Pro3267Leu)

Gene: RYR1 (ryanodine receptor 1; plus strand). Cytogenetic location: 19q13.2.
Variant type: single nucleotide variant.
Coding change: c.9800C>T on transcript NM_000540.3 (MANE Select); coding-DNA position 9800, C replaced by T.
Protein change: p.Pro3267Leu; replaces proline 3267 with leucine.
Molecular consequence: missense variant.
Genome position (GRCh38, 1-based): chr19:38,517,473, C>T. VCF-style: chr19-38517473-C-T. GRCh37 (hg19) VCF-style: chr19-39008113-C-T.
Other names: c.9800C>T, p.Pro3267Leu (NM_001042723.2); short protein forms P3267L.
Identifiers: ClinVar variation 224395 (VCV000224395.10), dbSNP rs200375946, ClinGen allele CA074165.